The following is an entry in ClinVar:

NM_144997.7(FLCN):c.1676A>G (p.Lys559Arg)

Gene: FLCN (folliculin; minus strand). Cytogenetic location: 17p11.2.
Variant type: single nucleotide variant.
Coding change: c.1676A>G on transcript NM_144997.7 (MANE Select); coding-DNA position 1676, A replaced by G.
Protein change: p.Lys559Arg; replaces lysine 559 with arginine.
Molecular consequence: missense variant.
Genome position (GRCh38, 1-based): chr17:17,213,719, T>C on the plus strand (A>G on the coding strand, the complement: FLCN is on the minus strand). VCF-style: chr17-17213719-T-C. GRCh37 (hg19) VCF-style: chr17-17117033-T-C.
Other names: c.1730A>G, p.Lys577Arg (NM_001353229.2); c.1676A>G, p.Lys559Arg (NM_001353230.2, NM_001353231.2); short protein forms K559R, K577R.
Identifiers: ClinVar variation 1471899 (VCV001471899.6), dbSNP rs2144807782, ClinGen allele CA398529876.

ClinVar aggregate classification (germline): Uncertain significance (1 of 4 stars; one submission).

Conditions:
Birt-Hogg-Dube syndrome. Also called: Birt Hogg Dubé syndrome. Identifiers: Orphanet 122, MedGen C0346010, MONDO:0800444.

Submission:

Labcorp Genetics (formerly Invitae), Labcorp
Classification: Uncertain significance for Birt-Hogg-Dube syndrome. Last evaluated: 2021-08-30. Review status: criteria provided, single submitter. Criteria: Invitae Variant Classification Sherloc (09022015). Collection method: clinical testing. Allele origin: germline.
Comment: This variant has not been reported in the literature in individuals affected with FLCN-related conditions. This sequence change replaces lysine with arginine at codon 559 of the FLCN protein (p.Lys559Arg). The lysine residue is highly conserved and there is a small physicochemical difference between lysine and arginine. This variant is not present in population databases (ExAC no frequency). In summary, the available evidence is currently insufficient to determine the role of this variant in disease. Therefore, it has been classified as a Variant of Uncertain Significance. Algorithms developed to predict the effect of missense changes on protein structure and function are either unavailable or do not agree on the potential impact of this missense change (SIFT: "Tolerated"; PolyPhen-2: "Possibly Damaging"; Align-GVGD: "Class C0"). Algorithms developed to predict the effect of sequence changes on RNA splicing suggest that this variant may create or strengthen a splice site.